The following is an entry in ClinVar:

ClinVar aggregate classification (germline): Uncertain significance. Review status: criteria provided, multiple submitters, no conflicts (2 of 4 stars). 2 submissions from 2 submitters: Uncertain significance (2). Last evaluated 2019-03-28.

Conditions:
ALDH18A1-related de Barsy syndrome. Also called: Cutis laxa, autosomal recessive IIIA; DE BARSY SYNDROME A. Identifiers: Orphanet 2962, Orphanet 35664, MedGen C5234852, MONDO:0009053, OMIM 219150.

Allele frequency attached by ClinVar (database versions not stated): gnomAD exomes 0.00003.
gnomAD v4.1: 41 of 1,561,204 alleles (0.0026%); highest among the groups gnomAD compares: Non-Finnish European, 0.0036%; no homozygotes.

Submissions (2):

GeneDx
Classification: Uncertain significance. Last evaluated: 2019-03-28. Review status: criteria provided, single submitter. Criteria: GeneDx Variant Classification Process June 2021. Collection method: clinical testing. Allele origin: germline. Affected: yes.
Comment: Has not been previously published as pathogenic or benign to our knowledge; Predicted to destroy the canonical splice donor site adjacent to exon 13 and is predicted to cause abnormal gene splicing. This variant is predicted to lead to either an abnormal message that is subject to nonsense-mediated mRNA decay, or to an abnormal protein product if the message is used for protein translation.; Not observed in large population cohorts (Lek et al., 2016)

Illumina Laboratory Services, Illumina
Classification: Uncertain significance for ALDH18A1-related de Barsy syndrome. Last evaluated: 2018-01-13. Review status: criteria provided, single submitter. Criteria: ICSL Variant Classification Criteria 13 December 2019. Collection method: clinical testing. Allele origin: germline.

NM_002860.4(ALDH18A1):c.1605+5G>A

Gene: ALDH18A1 (aldehyde dehydrogenase 18 family member A1; minus strand). Cytogenetic location: 10q24.1.
Variant type: single nucleotide variant.
Coding change: c.1605+5G>A on transcript NM_002860.4 (MANE Select); 5 bases into the intron after coding-DNA position 1605, G replaced by A.
Molecular consequence: intron variant.
Genome position (GRCh38, 1-based): chr10:95,616,472, C>T on the plus strand (G>A on the coding strand, the complement: ALDH18A1 is on the minus strand). VCF-style: chr10-95616472-C-T. GRCh37 (hg19) VCF-style: chr10-97376229-C-T.
Other names: c.969+5G>A (NM_001323419.2); c.1272+5G>A (NM_001323412.2, NM_001323416.2); c.1500+5G>A (NM_001323417.2); c.1599+5G>A (NM_001017423.2, NM_001323415.2); c.1266+5G>A (NM_001323418.2); c.1605+5G>A (NM_001323413.2, NM_001323414.2).
Identifiers: ClinVar variation 301764 (VCV000301764.6), dbSNP rs886047510, ClinGen allele CA10629535.